The following is an entry in ClinVar:

NM_000214.3(JAG1):c.532del (p.His178fs)

Gene: JAG1 (jagged canonical Notch ligand 1; minus strand). Cytogenetic location: 20p12.2.
Variant type: Deletion.
Coding change: c.532del on transcript NM_000214.3 (MANE Select); coding-DNA position 532, one base deleted (C; older notation c.532delC).
Protein change: p.His178fs; shifts the reading frame from histidine 178.
Molecular consequence: frameshift variant.
Genome position (GRCh38, 1-based): chr20:10,658,630, G deleted on the plus strand (C on the coding strand, the reverse complement: JAG1 is on the minus strand); the first of 3 consecutive G bases (chr20:10,658,630-10,658,632); deleting any one gives the same sequence. VCF-style (leftmost placement, unchanged base first): chr20-10658629-TG-T. GRCh37 (hg19) VCF-style: chr20-10639277-TG-T.
Other names: short protein forms H178fs.
Identifiers: ClinVar variation 845971 (VCV000845971.7), dbSNP rs2067394045, ClinGen allele CA916083751.

ClinVar aggregate classification (germline): Pathogenic (1 of 4 stars; one submission).

Conditions:
Alagille syndrome due to a JAG1 point mutation. Also called: JAG1-Related Alagille Syndrome; Alagille Syndrome 1; HEPATIC DUCTULAR HYPOPLASIA, SYNDROMATIC. Identifiers: Orphanet 261619, Orphanet 52, MedGen C1956125, MONDO:0016862, OMIM 118450.

Submission:

Labcorp Genetics (formerly Invitae), Labcorp
Classification: Pathogenic for Alagille syndrome due to a JAG1 point mutation. Last evaluated: 2019-04-23. Review status: criteria provided, single submitter. Criteria: Invitae Variant Classification Sherloc (09022015). Collection method: clinical testing. Allele origin: germline.
Comment: This sequence change creates a premature translational stop signal (p.His178Thrfs*8) in the JAG1 gene. It is expected to result in an absent or disrupted protein product. This variant is not present in population databases (ExAC no frequency). This variant has not been reported in the literature in individuals with JAG1-related conditions. Loss-of-function variants in JAG1 are known to be pathogenic (PMID: 11180599). For these reasons, this variant has been classified as Pathogenic.

Literature cited by the submitters: PubMed 11180599.